The following is an entry in ClinVar:

NM_000257.4(MYH7):c.1528T>C (p.Phe510Leu)

Gene: MYH7 (myosin heavy chain 7; minus strand). Cytogenetic location: 14q11.2.
Variant type: single nucleotide variant.
Coding change: c.1528T>C on transcript NM_000257.4 (MANE Select); coding-DNA position 1528, T replaced by C.
Protein change: p.Phe510Leu; replaces phenylalanine 510 with leucine.
Molecular consequence: missense variant.
Genome position (GRCh38, 1-based): chr14:23,428,550, A>G on the plus strand (T>C on the coding strand, the complement: MYH7 is on the minus strand). VCF-style: chr14-23428550-A-G. GRCh37 (hg19) VCF-style: chr14-23897759-A-G.
Other names: short protein forms F510L.
Identifiers: ClinVar variation 578571 (VCV000578571.8), dbSNP rs1566534664, ClinGen allele CA389050393.

ClinVar aggregate classification (germline): Uncertain significance (1 of 4 stars; one submission).

Conditions:
Hypertrophic cardiomyopathy. Also called: HYPERTROPHIC MYOCARDIOPATHY. Identifiers: Orphanet 217569, MedGen C0007194, MeSH D002312, MONDO:0005045, HP:0001639.

Submission:

Labcorp Genetics (formerly Invitae), Labcorp
Classification: Uncertain significance for Hypertrophic cardiomyopathy. Last evaluated: 2021-12-25. Review status: criteria provided, single submitter. Criteria: Invitae Variant Classification Sherloc (09022015). Collection method: clinical testing. Allele origin: germline.
Comment: This sequence change replaces phenylalanine, which is neutral and non-polar, with leucine, which is neutral and non-polar, at codon 510 of the MYH7 protein (p.Phe510Leu). This variant is not present in population databases (gnomAD no frequency). This variant has not been reported in the literature in individuals affected with MYH7-related conditions. ClinVar contains an entry for this variant (Variation ID: 578571). Algorithms developed to predict the effect of missense changes on protein structure and function are either unavailable or do not agree on the potential impact of this missense change (SIFT: "Deleterious"; PolyPhen-2: "Possibly Damaging"; Align-GVGD: "Class C15"). This variant is found within a region of MYH7 between codons 181 and 937 that contains the majority of the myosin head domain. Missense variants in this region have been shown to be significantly overrepresented in individuals with hypertrophic cardiomyopathy (PMID: 27532257). In summary, the available evidence is currently insufficient to determine the role of this variant in disease. Therefore, it has been classified as a Variant of Uncertain Significance.

Literature cited by the submitters: PubMed 27532257.